The following is an entry in ClinVar:

NM_002878.4(RAD51D):c.577-14C>T

Genes: RAD51D (RAD51 paralog D; minus strand), RAD51L3-RFFL (RAD51L3-RFFL readthrough; minus strand). Cytogenetic location: 17q12.
Variant type: single nucleotide variant.
Coding change: c.577-14C>T on transcript NM_002878.4 (MANE Select); 14 bases into the intron before coding-DNA position 577, C replaced by T.
Molecular consequence: intron variant.
Genome position (GRCh38, 1-based): chr17:35,103,558, G>A on the plus strand (C>T on the coding strand, the complement: RAD51D is on the minus strand). VCF-style: chr17-35103558-G-A. GRCh37 (hg19) VCF-style: chr17-33430577-G-A.
Other names: c.241-14C>T (NM_133629.3); c.637-14C>T (NM_001142571.2).
Identifiers: ClinVar variation 2727831 (VCV002727831.4), dbSNP rs901774537, ClinGen allele CA2637227945.

ClinVar aggregate classification (germline): Likely benign. Review status: criteria provided, multiple submitters, no conflicts (2 of 4 stars). 2 submissions from 2 submitters: Likely benign (2). Last evaluated 2025-02-24.

Conditions:
Breast-ovarian cancer, familial, susceptibility to, 4. Identifiers: Orphanet 145, MedGen C3280345, MONDO:0013669, OMIM 614291.

Allele frequency attached by ClinVar (database versions not stated): gnomAD exomes below 0.00001.
gnomAD v4.1: 1 of 1,605,052 alleles (0.000062%); highest among the groups gnomAD compares: South Asian, 0.0011%; no homozygotes.

Submissions (2):

Myriad Genetics, Inc.
Classification: Likely benign for Breast-ovarian cancer, familial, susceptibility to, 4. Last evaluated: 2025-02-24. Review status: criteria provided, single submitter. Criteria: Myriad Autosomal Dominant, Autosomal Recessive and X-Linked Classification Criteria (2023). Collection method: clinical testing. Allele origin: unknown.
Comment: This variant is considered likely benign. This variant is intronic and is not expected to impact mRNA splicing.

Labcorp Genetics (formerly Invitae), Labcorp
Classification: Likely benign for Breast-ovarian cancer, familial, susceptibility to, 4. Last evaluated: 2024-11-11. Review status: criteria provided, single submitter. Criteria: Invitae Variant Classification Sherloc (09022015). Collection method: clinical testing. Allele origin: germline.